The following is an entry in ClinVar:

NM_033109.5(PNPT1):c.614C>T (p.Thr205Ile)

Gene: PNPT1 (polyribonucleotide nucleotidyltransferase 1; minus strand). Cytogenetic location: 2p16.1.
Variant type: single nucleotide variant.
Coding change: c.614C>T on transcript NM_033109.5 (MANE Select); coding-DNA position 614, C replaced by T.
Protein change: p.Thr205Ile; replaces threonine 205 with isoleucine.
Molecular consequence: missense variant.
Genome position (GRCh38, 1-based): chr2:55,679,747, G>A on the plus strand (C>T on the coding strand, the complement: PNPT1 is on the minus strand). VCF-style: chr2-55679747-G-A. GRCh37 (hg19) VCF-style: chr2-55906882-G-A.
Other names: short protein forms T205I.
Identifiers: ClinVar variation 3901583 (VCV003901583.1).

ClinVar aggregate classification (germline): Uncertain significance (1 of 4 stars; one submission).

Submission:

GeneDx
Classification: Uncertain significance. Last evaluated: 2024-12-09. Review status: criteria provided, single submitter. Criteria: GeneDx Variant Classification Process June 2021. Collection method: clinical testing. Allele origin: germline. Affected: yes.
Comment: Not observed at significant frequency in large population cohorts (gnomAD); In silico analysis supports that this missense variant has a deleterious effect on protein structure/function; Has not been previously published as pathogenic or benign to our knowledge